The following is an entry in ClinVar:

ClinVar aggregate classification (germline): Uncertain significance (1 of 4 stars; one submission).

Conditions:
Congenital myasthenic syndrome 17. Identifiers: Orphanet 590, MedGen C4225377, MONDO:0014578, OMIM 616304.
Sclerosteosis 2 (SOST2). Identifiers: Orphanet 3152, MedGen C3280402, MONDO:0013679, OMIM 614305.
Cenani-Lenz syndactyly syndrome. Also called: SYNDACTYLY, TYPE VII; CENANI SYNDACTYLISM. Identifiers: Orphanet 3258, MedGen C1859309, MONDO:0008931, OMIM 212780.

Submission:

Labcorp Genetics (formerly Invitae), Labcorp
Classification: Uncertain significance for Cenani-Lenz syndactyly syndrome; Sclerosteosis 2; Congenital myasthenic syndrome 17. Last evaluated: 2023-08-17. Review status: criteria provided, single submitter. Criteria: Invitae Variant Classification Sherloc (09022015). Collection method: clinical testing. Allele origin: germline.
Comment: This sequence change replaces serine, which is neutral and polar, with proline, which is neutral and non-polar, at codon 1368 of the LRP4 protein (p.Ser1368Pro). This variant is not present in population databases (gnomAD no frequency). This variant has not been reported in the literature in individuals affected with LRP4-related conditions. ClinVar contains an entry for this variant (Variation ID: 567452). Advanced modeling of protein sequence and biophysical properties (such as structural, functional, and spatial information, amino acid conservation, physicochemical variation, residue mobility, and thermodynamic stability) performed at Invitae indicates that this missense variant is not expected to disrupt LRP4 protein function. In summary, the available evidence is currently insufficient to determine the role of this variant in disease. Therefore, it has been classified as a Variant of Uncertain Significance.

NM_002334.4(LRP4):c.4102T>C (p.Ser1368Pro)

Gene: LRP4 (LDL receptor related protein 4; minus strand). Cytogenetic location: 11p11.2.
Variant type: single nucleotide variant.
Coding change: c.4102T>C on transcript NM_002334.4 (MANE Select); coding-DNA position 4102, T replaced by C.
Protein change: p.Ser1368Pro; replaces serine 1368 with proline.
Molecular consequence: missense variant.
Genome position (GRCh38, 1-based): chr11:46,874,927, A>G on the plus strand (T>C on the coding strand, the complement: LRP4 is on the minus strand). VCF-style: chr11-46874927-A-G. GRCh37 (hg19) VCF-style: chr11-46896478-A-G.
Other names: short protein forms S1368P.
Identifiers: ClinVar variation 567452 (VCV000567452.10), dbSNP rs1565782170, ClinGen allele CA380270874.